The following is an entry in ClinVar:

ClinVar aggregate classification (germline): Uncertain significance (1 of 4 stars; one submission).

Allele frequency attached by ClinVar (database versions not stated): gnomAD 0.00001.

Submission:

Labcorp Genetics (formerly Invitae), Labcorp
Classification: Uncertain significance. Last evaluated: 2021-11-10. Review status: criteria provided, single submitter. Criteria: Invitae Variant Classification Sherloc (09022015). Collection method: clinical testing. Allele origin: germline.
Comment: This variant has not been reported in the literature in individuals affected with ADAMTSL4-related conditions. This variant is not present in population databases (gnomAD no frequency). This sequence change replaces proline, which is neutral and non-polar, with leucine, which is neutral and non-polar, at codon 830 of the ADAMTSL4 protein (p.Pro830Leu). Algorithms developed to predict the effect of missense changes on protein structure and function (SIFT, PolyPhen-2, Align-GVGD) all suggest that this variant is likely to be disruptive. In summary, the available evidence is currently insufficient to determine the role of this variant in disease. Therefore, it has been classified as a Variant of Uncertain Significance.

NM_019032.6(ADAMTSL4):c.2489C>T (p.Pro830Leu)

Gene: ADAMTSL4 (ADAMTS like 4; plus strand). Cytogenetic location: 1q21.2.
Variant type: single nucleotide variant.
Coding change: c.2489C>T on transcript NM_019032.6 (MANE Select); coding-DNA position 2489, C replaced by T.
Protein change: p.Pro830Leu; replaces proline 830 with leucine.
Molecular consequence: missense variant.
Genome position (GRCh38, 1-based): chr1:150,558,579, C>T. VCF-style: chr1-150558579-C-T. GRCh37 (hg19) VCF-style: chr1-150531055-C-T.
Other names: c.2372C>T, p.Pro791Leu (NM_001288607.2); c.2558C>T, p.Pro853Leu (NM_001288608.2); c.2489C>T, p.Pro830Leu (NM_001378596.1, NM_025008.5); short protein forms P853L, P830L, P791L.
Identifiers: ClinVar variation 1442347 (VCV001442347.6), dbSNP rs1185377791, ClinGen allele CA342315236.